The following is an entry in ClinVar:

NM_000245.4(MET):c.1188C>T (p.His396=)

Gene: MET (MET proto-oncogene, receptor tyrosine kinase; plus strand). Cytogenetic location: 7q31.2.
Variant type: single nucleotide variant.
Coding change: c.1188C>T on transcript NM_000245.4 (MANE Select); coding-DNA position 1188, C replaced by T.
Protein change: p.His396=; no amino-acid change (histidine 396 retained).
Molecular consequence: synonymous variant. On other transcripts: intron variant (1).
Genome position (GRCh38, 1-based): chr7:116,700,272, C>T. VCF-style: chr7-116700272-C-T. GRCh37 (hg19) VCF-style: chr7-116340326-C-T.
Other names: c.1188C>T, p.His396= (NM_001127500.3, NM_001324401.3); c.-91+27695C>T (NM_001324402.2).
Identifiers: ClinVar variation 2745532 (VCV002745532.4), dbSNP rs2116607559, ClinGen allele CA457448171.
Genomic context (GRCh38, chr7:116,700,272, plus strand): 5'-GATCGTCAACAAAAACAATGTGAGATGTCTCCAGCATTTTTACGGACCCAATCATGAGCA[C>T]TGCTTTAATAGGGTAAGTCACATCAGTTCCCCACTTATAAACTGTGAGGTATAAATTAGA-3'
Protein context (NP_000236.2, residues 386-406): LQHFYGPNHE[His396=]CFNRTLLRNS

ClinVar aggregate classification (germline): Benign/Likely benign. Review status: criteria provided, multiple submitters, no conflicts (2 of 4 stars). 2 submissions from 2 submitters: Benign (1); Likely benign (1). Last evaluated 2024-11-07.

Conditions:
Papillary renal cell carcinoma type 1 (RCCP1). Also called: RENAL CELL CARCINOMA, PAPILLARY, 1, SOMATIC; Renal adenocarcinoma; Renal cell carcinoma 1; Renal cell carcinoma, somatic. Identifiers: Orphanet 47044, MedGen C1336839, OMIM 605074, HP:0011797.
Renal cell carcinoma. Identifiers: Orphanet 217071, MedGen C0007134, MeSH D002292, MONDO:0005086, HP:0005584.

Submissions (2):

Myriad Genetics, Inc.
Classification: Benign for Papillary renal cell carcinoma type 1. Last evaluated: 2024-11-07. Review status: criteria provided, single submitter. Criteria: Myriad Autosomal Dominant, Autosomal Recessive and X-Linked Classification Criteria (2023). Collection method: clinical testing. Allele origin: unknown.
Comment: This variant is considered benign. This variant is a silent/synonymous amino acid change and it is not expected to impact splicing.

Labcorp Genetics (formerly Invitae), Labcorp
Classification: Likely benign for Renal cell carcinoma. Last evaluated: 2023-07-20. Review status: criteria provided, single submitter. Criteria: Invitae Variant Classification Sherloc (09022015). Collection method: clinical testing. Allele origin: germline.